The following continues an entry in ClinVar:

NM_001329943.3(KIAA0586):c.392del (p.Arg131fs)

Gene: KIAA0586. ClinVar aggregate classification (germline): Pathogenic/Likely pathogenic. Pathogenic (36); Likely pathogenic (2).

Submissions 8 to 21 of 48:

Broad Center for Mendelian Genomics, Broad Institute of MIT and Harvard
Classification: Pathogenic for Joubert syndrome 23. Last evaluated: 2025-09-19. Review status: criteria provided, single submitter. Criteria: ACMG Guidelines, 2015. Collection method: curation. Allele origin: germline. Inheritance: Autosomal recessive inheritance.
Comment: We believe this is a possible phenotype expansion for autosomal recessive Joubert syndrome 23. The p.Arg131LysfsTer4 variant in KIAA0586 has been previously reported in at least 34 unrelated individuals with Joubert syndrome 23 (PMID: 26386247, 26026149, 26096313, 26386044, 30120217, 32381069, 28832562, 28497568, 26437029) and segregated with disease in 9 affected relatives from 4 families (PMID: 26437029, 30120217, 26026149), but has been identified in 0.9% (268/28546) of Ashkenazi Jewish chromosomes, including 16 homozygotes, by the Genome Aggregation Database (gnomAD; dbSNP ID: rs534542684). Although this variant has been seen in the general population in a heterozygous state, its frequency is not high enough to rule out a pathogenic role. There is evidence that this variant is hypomorphic and homozygosity is not expected to cause disease (PMID: 30120217), which may explain the high allele frequency and level of homozygosity for this variant in gnomAD. Of these 34 affected individuals, 31 were compound heterozygotes who carried pathogenic or likely pathogenic variants in trans (PMID: 28497568, 28832562, 32381069, 30120217, 26386247, 26386044, 26026149, 26437029, 26096313; VCV000204595.4, VCV000369671.3, VCV000583841.7, VCV000204594.16, VCV000418265.13, VCV001406363.7, VCV000217669.6, VCV000217668.1), which increases the likelihood that thep.Arg131LysfsTer4 variant is pathogenic. This variant has also been reported in ClinVar (VCV000204593.103) and has been interpreted as pathogenic or likely pathogenic by multiple submitters. This variant is predicted to cause a frameshift, which alters the protein’s amino acid sequence beginning at position 143 and leads to a premature termination codon 4 amino acids downstream. This alteration is then predicted to lead to a truncated or absent protein. Loss of function of the KIAA0586 gene is strongly associated to autosomal recessive Joubert syndrome 23. In summary, this variant meets criteria to be classified as pathogenic for autosomal recessive Joubert syndrome 23. ACMG/AMP Criteria applied: PVS1_Strong, PM3_VeryStrong, PP1_Strong (Richards 2015).

Institute of Human Genetics, University of Leipzig Medical Center
Classification: Pathogenic for Joubert syndrome 23. Last evaluated: 2025-05-06. Review status: criteria provided, single submitter. Criteria: ACMG Guidelines, 2015. Collection method: clinical testing. Allele origin: unknown. Inheritance: Autosomal recessive inheritance. Affected: yes.
Comment: Criteria applied: PVS1,PM3_STR; Identified as compund heterozygous with NM_001329943.3:c.704_705del

First Genomix Gene Laboratory, Genetic Diagnostics Department
Classification: Pathogenic for Joubert syndrome 23; Short-rib thoracic dysplasia 14 with polydactyly. Last evaluated: 2025-03-14. Review status: criteria provided, single submitter. Criteria: ACMG Guidelines, 2015. Collection method: clinical testing. Allele origin: germline. Inheritance: Autosomal recessive inheritance. Affected: no. Observed: 1 variant allele.

Laboratory of Genetics, Children's Clinical University Hospital Latvia
Classification: Pathogenic. Last evaluated: 2025-02-16. Review status: criteria provided, single submitter. Criteria: ACMG Guidelines, 2015. Collection method: clinical testing. Allele origin: germline. Affected: yes.

Genomic Medicine Center of Excellence, King Faisal Specialist Hospital and Research Centre
Classification: Pathogenic for Joubert syndrome 23. Last evaluated: 2024-12-18. Review status: criteria provided, single submitter. Criteria: ACMG Guidelines, 2015. Collection method: clinical testing. Allele origin: germline.

Blueprint Genetics
Classification: Pathogenic for KIAA0586-related disorders. Last evaluated: 2024-11-22. Review status: criteria provided, single submitter. Criteria: ACMG Guidelines, 2015. Collection method: clinical testing. Allele origin: germline. Affected: yes. Observed: 5 variant alleles.

Rady Children's Institute for Genomic Medicine, Rady Children's Hospital San Diego
Classification: Pathogenic for KIAA0586- Related disorders. Last evaluated: 2024-10-08. Review status: criteria provided, single submitter. Criteria: ACMG Guidelines, 2015. Collection method: clinical testing. Allele origin: germline. Affected: yes.
Comment: This variant is also referred to as c.392delG (p.Arg131LysfsTer4) in the literature based on transcript NM_001329943.3. This frameshifting variant in exon 5 of 34 is predicted to result in loss of normal protein function through either protein truncation or nonsense-mediated mRNA decay. Loss-of-function variation in KIAA0586 is an established mechanism of disease (PMID: 20301500). This is a known Pathogenic variant that has been previously reported as a compound heterozygous or homozygous change in patients with Joubert syndrome (PMID: 26386247, 26026149, 26096313, 26386044, 30120217, 32381069, 28832562, 28497568, 26437029). Additionally, this variant has segregated with disease in multiple related individuals (PMID: 26026149, 26437029, 30120217). The c.428del (p.Arg143LysfsTer4) variant is a hypomorphic variant that may cause disease in the homozygous state if there is an additional hypomorphic variant in a different ciliopathy gene or it may cause disease in the compound heterozygous state when it is in trans with a more severe loss-of-function variant (PMID: 30120217). Functional studies of the c.428del (p.Arg143LysfsTer4) variant have had various results seemingly dependent on clinical affected status. A study demonstrated that cells from affected patients with this variant led to the loss of protein production (PMID: 26026149) and a reduction in the quantity of ciliated cells and ciliary length compared with wild-type (PMID: 36788019). However, other functional studies in cells from unaffected individuals who were homozygous for this variant did not show any differences in mRNA levels (PMID: 30120217) or the quantity of ciliated cells and ciliary length in comparison with wild-type (PMID: 36788019). The c.428del (p.Arg143LysfsTer4) variant is present in the latest version of the gnomAD population database at an allele frequency of 0.4% (6015/1568644), including 16 homozygous individuals. Based on the available evidence, c.428del (p.Arg143LysfsTer4) is classified as Pathogenic.

Revvity Omics, Revvity
Classification: Pathogenic. Last evaluated: 2024-08-25. Review status: criteria provided, single submitter. Criteria: ACMG Guidelines, 2015. Collection method: clinical testing. Allele origin: germline.

Ambry Genetics
Classification: Pathogenic for Inborn genetic diseases. Last evaluated: 2024-08-16. Review status: criteria provided, single submitter. Criteria: Ambry Variant Classification Scheme 2023. Collection method: clinical testing. Allele origin: germline.
Comment: The c.392delG (p.R131Kfs*4) alteration, located in exon 4 (coding exon 4) of the KIAA0586 gene, consists of a deletion of one nucleotide at position 392, causing a translational frameshift with a predicted alternate stop codon after 4 amino acids. This alteration is expected to result in loss of function by premature protein truncation or nonsense-mediated mRNA decay. Based on data from gnomAD, this allele has an overall frequency of 0.312% (777/249074) total alleles studied. The highest observed frequency was 0.834% (77/9238) of Ashkenazi Jewish alleles. This variant has been identified in conjunction with other KIAA0586 variants in individuals with features consistent with KIAA0586-related ciliopathies (Roosing, 2015; Sumathipala, 2020). In the homozygous state, this variant has been identified in individuals with KIAA0586-related ciliopathies including Joubert syndrome (Bachmann-Gagescu, 2015; Roosing, 2015; Serpieri, 2023), but has also demonstrated reduced penetrance (Sulem, 2015; Pauli, 2019). Based on the available evidence, this alteration is classified as pathogenic.

GeneDx
Classification: Pathogenic. Last evaluated: 2023-10-12. Review status: criteria provided, single submitter. Criteria: GeneDx Variant Classification Process June 2021. Collection method: clinical testing. Allele origin: germline. Affected: yes.
Comment: Frameshift variant predicted to result in protein truncation or nonsense mediated decay in a gene for which loss-of-function is a known mechanism of disease; This variant is associated with the following publications: (PMID: 29453417, 30609409, 26026149, 26437029, 26386247, 28497568, 28832562, 30120217, 32381069, 32581362, 34426522, 34716235, 34611884, 26096313)

Department of Pathology and Laboratory Medicine, Sinai Health System
Classification: Pathogenic for short-rib thoracic dysplasia 14 with polydactyly. Last evaluated: 2023-09-18. Review status: criteria provided, single submitter. Criteria: ACMG Guidelines, 2015. Collection method: research. Allele origin: germline.

Clinical Genetics Laboratory, Skane University Hospital Lund
Classification: Pathogenic. Last evaluated: 2022-07-13. Review status: criteria provided, single submitter. Criteria: ACMG Guidelines, 2015. Collection method: clinical testing. Allele origin: germline. Affected: yes.

MGZ Medical Genetics Center
Classification: Pathogenic for Joubert syndrome 23. Last evaluated: 2022-05-23. Review status: criteria provided, single submitter. Criteria: ACMG Guidelines, 2015. Collection method: clinical testing. Allele origin: germline. Affected: yes. Observed: 3 variant alleles.
Comment: ACMG criteria applied: PVS1, PS4, PM3

New York Genome Center
Classification: Pathogenic for Joubert syndrome 23; Short-rib thoracic dysplasia 14 with polydactyly. Last evaluated: 2021-10-23. Review status: criteria provided, single submitter. Criteria: NYGC Assertion Criteria 2020. Collection method: clinical testing. Allele origin: inherited, germline. Observed: 3 heterozygotes. Clinical features observed: Intellectual disability (HP:0001249), Autistic behavior (HP:0000729), Deeply set eye (HP:0000490), Cafe-au-lait spot (HP:0000957), Pain insensitivity (HP:0007021), Seizure (HP:0001250), Global developmental delay (HP:0001263), Hemangioma (HP:0001028), Attention deficit hyperactivity disorder (HP:0007018), Asthma (HP:0002099), Headache (HP:0002315). Study: CSER-NYCKidSeq.